The following is an entry in ClinVar:

ClinVar aggregate classification (germline): Conflicting classifications of pathogenicity. Review status: criteria provided, conflicting classifications (1 of 4 stars). 5 submissions from 5 submitters: Uncertain significance (2); Likely benign (3). Last evaluated 2026-06-23.

Conditions:
Growth failure in early childhood.
FGFR3-related chondrodysplasia. Identifiers: Orphanet 93420, MedGen C5681604, MONDO:0019685.
Connective tissue disorder. Also called: Connective tissue disease. Identifiers: MedGen C0009782, MONDO:0003900.

Allele frequency attached by ClinVar (database versions not stated): gnomAD 0.00008 and 0.00007; gnomAD exomes 0.00011 and 0.00021; TOPMed 0.00006; ESP Exome Variant Server 0.00023; ExAC 0.00017.
gnomAD v4.1: 305 of 1,609,426 alleles (0.019%); highest among the groups gnomAD compares: Non-Finnish European, 0.025%; no homozygotes.

Submissions (5):

Genomenon, Inc
Classification: Uncertain significance for FGFR3-related chondrodysplasia. Last evaluated: 2026-06-23. Review status: criteria provided, single submitter. Criteria: Genomenon Sequence Variant Interpretation Standards - Updated. Collection method: curation. Allele origin: germline. Affected: no.
Comment: FGFR3 p.Ser236Asn (c.707G>A) is a missense variant that changes the amino acid at codon 236 from Serine to Asparagine. This variant has been reported in the published literature (PMID:26497743;27381494;27109926). It is absent or not present at a significant frequency in gnomAD. In silico models predict that this variant is not damaging. In conclusion, we classify FGFR3 p.Ser236Asn (c.707G>A) as a variant of uncertain significance.

Labcorp Genetics (formerly Invitae), Labcorp
Classification: Likely benign. Last evaluated: 2026-01-16. Review status: criteria provided, single submitter. Criteria: Invitae Variant Classification Sherloc (09022015). Collection method: clinical testing. Allele origin: germline.

GeneDx
Classification: Uncertain significance. Last evaluated: 2025-06-12. Review status: criteria provided, single submitter. Criteria: GeneDx Variant Classification Process June 2021. Collection method: clinical testing. Allele origin: germline. Affected: yes.
Comment: Reported as germline variant in patient with metastatic urothelial cancer in published literature (PMID: 26497743); however, no additional clinical information was provided; In silico analysis supports that this missense variant has a deleterious effect on protein structure/function; This variant is associated with the following publications: (PMID: 26497743)

Cambridge Genomics Laboratory, East Genomic Laboratory Hub, NHS Genomic Medicine Service
Classification: Likely benign for Growth failure in early childhood. Last evaluated: 2024-10-24. Review status: criteria provided, single submitter. Criteria: ACGS Best Practice Guidelines for Variant Classification in Rare Disease 2020. Collection method: clinical testing. Allele origin: germline. Affected: yes.
Comment: BS1_Strong,BP4

Genome Diagnostics Laboratory, The Hospital for Sick Children
Classification: Likely benign for Connective tissue disorder. Last evaluated: 2022-02-23. Review status: criteria provided, single submitter. Criteria: ACMG Guidelines, 2015. Collection method: clinical testing. Allele origin: germline.

Literature cited by the submitters: PubMed 26497743 (cited by Genomenon, Inc); PubMed 27381494 (cited by Genomenon, Inc); PubMed 27109926 (cited by Genomenon, Inc).

NM_000142.5(FGFR3):c.707G>A (p.Ser236Asn)

Gene: FGFR3 (fibroblast growth factor receptor 3; plus strand). Cytogenetic location: 4p16.3.
Variant type: single nucleotide variant.
Coding change: c.707G>A on transcript NM_000142.5 (MANE Select); coding-DNA position 707, G replaced by A.
Protein change: p.Ser236Asn; replaces serine 236 with asparagine.
Molecular consequence: missense variant. On other transcripts: non-coding transcript variant (1).
Genome position (GRCh38, 1-based): chr4:1,801,711, G>A. VCF-style: chr4-1801711-G-A. GRCh37 (hg19) VCF-style: chr4-1803438-G-A.
Other names: c.707G>A, p.Ser236Asn (NM_001163213.2, NM_001354809.2, NM_001354810.2 and 1 more transcripts); short protein forms S236N.
Identifiers: ClinVar variation 1313374 (VCV001313374.13), dbSNP rs200495316, ClinGen allele CA2809926.